The following is an entry in ClinVar:

NM_001698.2(AUH):c.-45C>A

Genes: AUH (AU RNA binding methylglutaconyl-CoA hydratase; minus strand), LOC130002059 (ATAC-STARR-seq lymphoblastoid silent region 20025; plus strand). Cytogenetic location: 9q22.31.
Variant type: single nucleotide variant.
Coding change: c.-45C>A on transcript NM_001698.2; 45 bases upstream of the start codon, C replaced by A.
Genome position (GRCh38, 1-based): chr9:91,361,934, G>T on the plus strand (C>A on the coding strand, the complement: AUH is on the minus strand). VCF-style: chr9-91361934-G-T. GRCh37 (hg19) VCF-style: chr9-94124216-G-T.
Identifiers: ClinVar variation 509547 (VCV000509547.3), dbSNP rs1554723388, ClinGen allele CA658797219.

ClinVar aggregate classification (germline): Likely benign (1 of 4 stars; one submission).

Submission:

GeneDx
Classification: Likely benign. Last evaluated: 2017-05-22. Review status: criteria provided, single submitter. Criteria: GeneDx Variant Classification (06012015). Collection method: clinical testing. Allele origin: germline. Affected: yes.
Comment: This variant is considered likely benign or benign based on one or more of the following criteria: it is a conservative change, it occurs at a poorly conserved position in the protein, it is predicted to be benign by multiple in silico algorithms, and/or has population frequency not consistent with disease.